The following is an entry in ClinVar:

NM_001393769.1(MED12L):c.2288T>A (p.Ile763Asn)

Genes: MED12L (mediator complex subunit 12L; plus strand), P2RY12 (purinergic receptor P2Y12; minus strand). Cytogenetic location: 3q25.1.
Variant type: single nucleotide variant.
Coding change: c.2288T>A on transcript NM_001393769.1 (MANE Select); coding-DNA position 2288, T replaced by A.
Protein change: p.Ile763Asn; replaces isoleucine 763 with asparagine.
Molecular consequence: missense variant. On other transcripts: intron variant (1).
Genome position (GRCh38, 1-based): chr3:151,350,096, T>A. VCF-style: chr3-151350096-T-A. GRCh37 (hg19) VCF-style: chr3-151067884-T-A.
Other names: c.2183T>A, p.Ile728Asn (NM_053002.6); c.-179-9336A>T (NM_022788.5); short protein forms I728N, I763N.
Identifiers: ClinVar variation 3383717 (VCV003383717.2).
Genomic context (GRCh38, chr3:151,350,096, plus strand): 5'-AGAATGCATTTTCTGTTTTTCAGGATGAATCTTCAAGTCATGAATGTAACCAGCGCACAA[T>A]CCTTCTCTATGGAGTCGGCAAAGAGCGTGATGAAGCAAGGCATCAGCTGAAGAAGATTAC-3'
Protein context (NP_001380698.1, residues 753-773): SSSHECNQRT[Ile763Asn]LLYGVGKERD

ClinVar aggregate classification (germline): Uncertain significance (1 of 4 stars; one submission).

Submission:

GeneDx
Classification: Uncertain significance. Last evaluated: 2026-08-27. Review status: criteria provided, single submitter. Criteria: GeneDx Variant Classification Process June 2021. Collection method: clinical testing. Allele origin: germline.
Comment: Not observed at significant frequency in large population cohorts (gnomAD); In silico analysis supports that this missense variant has a deleterious effect on protein structure/function; Has not been previously published as pathogenic or benign to our knowledge